The following is an entry in ClinVar:

ClinVar aggregate classification (germline): Uncertain significance (1 of 4 stars; one submission).

Conditions:
Rhabdoid tumor predisposition syndrome 2 (RTPS2). Identifiers: Orphanet 231108, Orphanet 69077, MedGen C2750074, MONDO:0013224, OMIM 613325.

Submission:

Labcorp Genetics (formerly Invitae), Labcorp
Classification: Uncertain significance for Rhabdoid tumor predisposition syndrome 2. Last evaluated: 2018-05-20. Review status: criteria provided, single submitter. Criteria: Invitae Variant Classification Sherloc (09022015). Collection method: clinical testing. Allele origin: germline.
Comment: This variant has not been reported in the literature in individuals with SMARCA4-related disease. Algorithms developed to predict the effect of missense changes on protein structure and function (SIFT, PolyPhen-2, Align-GVGD) all suggest that this variant is likely to be disruptive, but these predictions have not been confirmed by published functional studies and their clinical significance is uncertain. In summary, the available evidence is currently insufficient to determine the role of this variant in disease. Therefore, it has been classified as a Variant of Uncertain Significance. This variant is not present in population databases (ExAC no frequency). This sequence change replaces histidine with proline at codon 70 of the SMARCA4 protein (p.His70Pro). The histidine residue is highly conserved and there is a moderate physicochemical difference between histidine and proline.

NM_003072.5(SMARCA4):c.209A>C (p.His70Pro)

Gene: SMARCA4 (SWI/SNF related BAF chromatin remodeling complex subunit ATPase 4; plus strand). Cytogenetic location: 19p13.2.
Variant type: single nucleotide variant.
Coding change: c.209A>C on transcript NM_003072.5 (MANE Select); coding-DNA position 209, A replaced by C.
Protein change: p.His70Pro; replaces histidine 70 with proline.
Molecular consequence: missense variant. On other transcripts: non-coding transcript variant (1).
Genome position (GRCh38, 1-based): chr19:10,984,360, A>C. VCF-style: chr19-10984360-A-C. GRCh37 (hg19) VCF-style: chr19-11095036-A-C.
Other names: c.209A>C, p.His70Pro (NM_001128844.3, NM_001128845.2, NM_001128846.2 and 5 more transcripts); short protein forms H70P.
Identifiers: ClinVar variation 575169 (VCV000575169.8), dbSNP rs1568417600, ClinGen allele CA404054678.